The following is an entry in ClinVar:

ClinVar aggregate classification (germline): Likely benign (1 of 4 stars; one submission).

Allele frequency attached by ClinVar (database versions not stated): TOPMed 0.00003; gnomAD 0.00007; 1000 Genomes Project 30x 0.00016.

Submission:

CeGaT Center for Human Genetics Tuebingen
Classification: Likely benign. Last evaluated: 2024-06-01. Review status: criteria provided, single submitter. Criteria: CeGaT Center For Human Genetics Tuebingen Variant Classification Criteria Version 2. Collection method: clinical testing. Allele origin: germline. Affected: yes. Observed: 2 variant alleles.
Comment: MCPH1: BP4, BP7

NM_024596.5(MCPH1):c.2452+4309G>A

Genes: MCPH1 (microcephalin 1; plus strand), MCPH1-AS1 (MCPH1 antisense RNA 1; minus strand). Cytogenetic location: 8p23.1.
Variant type: single nucleotide variant.
Coding change: c.2452+4309G>A on transcript NM_024596.5 (MANE Select); 4309 bases into the intron after coding-DNA position 2452, G replaced by A.
Molecular consequence: intron variant. On other transcripts: synonymous variant (1).
Genome position (GRCh38, 1-based): chr8:6,626,000, G>A. VCF-style: chr8-6626000-G-A. GRCh37 (hg19) VCF-style: chr8-6483521-G-A.
Other names: c.2496G>A, p.Thr832= (NM_001410917.1); c.2594+963G>A (NM_001322042.2); c.2173+4309G>A (NM_001363980.2); c.2452+4309G>A (NM_001363979.1).
Identifiers: ClinVar variation 2658351 (VCV002658351.24), dbSNP rs538420642, ClinGen allele CA171442923.